The following is an entry in ClinVar:

NM_007347.5(AP4E1):c.1600A>G (p.Ile534Val)

Gene: AP4E1 (adaptor related protein complex 4 subunit epsilon 1; plus strand). Cytogenetic location: 15q21.2.
Variant type: single nucleotide variant.
Coding change: c.1600A>G on transcript NM_007347.5 (MANE Select); coding-DNA position 1600, A replaced by G.
Protein change: p.Ile534Val; replaces isoleucine 534 with valine.
Molecular consequence: missense variant.
Genome position (GRCh38, 1-based): chr15:50,958,543, A>G. VCF-style: chr15-50958543-A-G. GRCh37 (hg19) VCF-style: chr15-51250740-A-G.
Other names: c.1375A>G, p.Ile459Val (NM_001252127.2); short protein forms I459V, I534V.
Identifiers: ClinVar variation 1398737 (VCV001398737.8), dbSNP rs1343407484, ClinGen allele CA392418333.

ClinVar aggregate classification (germline): Uncertain significance (1 of 4 stars; one submission).

Conditions:
Spastic paraplegia. Identifiers: MedGen C0037772, HP:0001258.

Allele frequency attached by ClinVar (database versions not stated): gnomAD 0.00001; gnomAD exomes 0.00001; TOPMed 0.00002.
gnomAD v4.1: 11 of 1,613,832 alleles (0.00068%); highest among the groups gnomAD compares: South Asian, 0.0011%; no homozygotes.

Submission:

Labcorp Genetics (formerly Invitae), Labcorp
Classification: Uncertain significance for Spastic paraplegia. Last evaluated: 2022-08-23. Review status: criteria provided, single submitter. Criteria: Invitae Variant Classification Sherloc (09022015). Collection method: clinical testing. Allele origin: germline.
Comment: This sequence change replaces isoleucine, which is neutral and non-polar, with valine, which is neutral and non-polar, at codon 534 of the AP4E1 protein (p.Ile534Val). This variant is present in population databases (no rsID available, gnomAD 0.0009%). This variant has not been reported in the literature in individuals affected with AP4E1-related conditions. ClinVar contains an entry for this variant (Variation ID: 1398737). Algorithms developed to predict the effect of missense changes on protein structure and function (SIFT, PolyPhen-2, Align-GVGD) all suggest that this variant is likely to be tolerated. In summary, the available evidence is currently insufficient to determine the role of this variant in disease. Therefore, it has been classified as a Variant of Uncertain Significance.